The following is an entry in ClinVar:

ClinVar aggregate classification (germline): Likely pathogenic (1 of 4 stars; one submission).

Submission:

CeGaT Center for Human Genetics Tuebingen
Classification: Likely pathogenic. Last evaluated: 2023-10-01. Review status: criteria provided, single submitter. Criteria: CeGaT Center For Human Genetics Tuebingen Variant Classification Criteria Version 2. Collection method: clinical testing. Allele origin: germline. Affected: yes. Observed: 1 variant allele.
Comment: MLC1: PVS1:Strong, PM2

NM_015166.4(MLC1):c.268-2A>G

Gene: MLC1 (modulator of VRAC current 1; minus strand). Cytogenetic location: 22q13.33.
Variant type: single nucleotide variant.
Coding change: c.268-2A>G on transcript NM_015166.4 (MANE Select); the canonical splice acceptor site of the intron before coding-DNA position 268, A replaced by G.
Molecular consequence: splice acceptor variant. On other transcripts: intron variant (2).
Genome position (GRCh38, 1-based): chr22:50,080,399, T>C on the plus strand (A>G on the coding strand, the complement: MLC1 is on the minus strand). VCF-style: chr22-50080399-T-C. GRCh37 (hg19) VCF-style: chr22-50518828-T-C.
Other names: c.268-2A>G (NM_001376474.1, NM_001376475.1, NM_001376476.1 and 7 more transcripts); c.31-2A>G (NM_001376484.1); c.178-2A>G (NM_001376480.1); c.267+2685A>G (NM_001376482.1, NM_001376483.1).
Identifiers: ClinVar variation 2653362 (VCV002653362.24), dbSNP rs2518338237, ClinGen allele CA412111398.
Genomic context (GRCh38, chr22:50,080,399, plus strand): 5'-CTCACCACATTGGCGTTCCTCCTGGAGACGGTGAAGCTCACAATTGCCGAGGGGATGCAC[T>C]GGAATGAAACCGGAATCCCATGAGCCTGCCGCTCACCTGAGCAACTGAGACTCTGAAATA-3'